The following is an entry in ClinVar:

ClinVar aggregate classification (germline): Likely pathogenic (1 of 4 stars; one submission).

Conditions:
Inborn genetic diseases. Identifiers: MedGen C0950123, MeSH D030342.

Submission:

Ambry Genetics
Classification: Likely pathogenic for Inborn genetic diseases. Last evaluated: 2026-05-27. Review status: criteria provided, single submitter. Criteria: Ambry Variant Classification Scheme 2023. Collection method: clinical testing. Allele origin: germline.
Comment: The c.1226+1G>A intronic alteration consists of a G to A substitution one nucleotide after exon 12 (coding exon 12) of the BRSK2 gene. Variants that disrupt the canonical splice site are expected to cause aberrant splicing, resulting in an abnormal protein or a transcript that is subject to nonsense-mediated mRNA decay. This variant was not reported in population-based cohorts in the Genome Aggregation Database (gnomAD). This nucleotide position is highly conserved in available vertebrate species. In silico splice site analysis predicts that this alteration will weaken the native splice donor site and will result in the creation or strengthening of a novel splice donor site. Based on the available evidence, this alteration is classified as likely pathogenic.

NM_001256627.2(BRSK2):c.1226+1G>A

Gene: BRSK2 (BR serine/threonine kinase 2; plus strand). Cytogenetic location: 11p15.5.
Variant type: single nucleotide variant.
Coding change: c.1226+1G>A on transcript NM_001256627.2 (MANE Select); the canonical splice donor site of the intron after coding-DNA position 1226, G replaced by A.
Molecular consequence: splice donor variant.
Genome position (GRCh38, 1-based): chr11:1,445,908, G>A. VCF-style: chr11-1445908-G-A. GRCh37 (hg19) VCF-style: chr11-1467138-G-A.
Other names: c.1226+1G>A (NM_001440665.1, NM_001440668.1, NM_001440670.1 and 3 more transcripts); c.1046+1G>A (NM_001440674.1, NM_001440671.1, NM_001440672.1 and 5 more transcripts); c.1364+1G>A (NM_001256630.1, NM_001440667.1).
Identifiers: ClinVar variation 4867949 (VCV004867949.1).